The following is an entry in ClinVar:

ClinVar aggregate classification (germline): Conflicting classifications of pathogenicity. Review status: criteria provided, conflicting classifications (1 of 4 stars). 2 submissions from 2 submitters: Uncertain significance (1); Likely benign (1). Last evaluated 2023-09-20.

Conditions:
Peutz-Jeghers syndrome (PJS). Also called: POLYPOSIS, HAMARTOMATOUS INTESTINAL; POLYPS-AND-SPOTS SYNDROME; Peutz-Jeghers polyposis; Periorificial lentiginosis syndrome. Identifiers: Orphanet 2869, MedGen C0031269, MeSH D010580, MONDO:0008280, OMIM 175200.
Hereditary cancer-predisposing syndrome. Also called: Neoplastic Syndromes, Hereditary; Tumor predisposition; Hereditary Cancer Syndrome; Hereditary neoplastic syndrome. Identifiers: Orphanet 140162, MedGen C0027672, MeSH D009386, MONDO:0015356.

Submissions (2):

Labcorp Genetics (formerly Invitae), Labcorp
Classification: Uncertain significance for Peutz-Jeghers syndrome. Last evaluated: 2023-09-20. Review status: criteria provided, single submitter. Criteria: Invitae Variant Classification Sherloc (09022015). Collection method: clinical testing. Allele origin: germline.
Comment: This variant is not present in population databases (gnomAD no frequency). In summary, the available evidence is currently insufficient to determine the role of this variant in disease. Therefore, it has been classified as a Variant of Uncertain Significance. Algorithms developed to predict the effect of sequence changes on RNA splicing suggest that this variant is not likely to affect RNA splicing. ClinVar contains an entry for this variant (Variation ID: 1742243). This variant has not been reported in the literature in individuals affected with STK11-related conditions. This sequence change affects codon 155 of the STK11 mRNA. It is a 'silent' change, meaning that it does not change the encoded amino acid sequence of the STK11 protein. It affects a nucleotide within the consensus splice site.

Ambry Genetics
Classification: Likely benign for Hereditary cancer-predisposing syndrome. Last evaluated: 2021-05-31. Review status: criteria provided, single submitter. Criteria: Ambry Variant Classification Scheme 2023. Collection method: clinical testing. Allele origin: germline.

NM_000455.5(STK11):c.465G>A (p.Gly155=)

Gene: STK11 (serine/threonine kinase 11; plus strand). Cytogenetic location: 19p13.3.
Variant type: single nucleotide variant.
Coding change: c.465G>A on transcript NM_000455.5 (MANE Select); coding-DNA position 465, G replaced by A.
Protein change: p.Gly155=; no amino-acid change (glycine 155 retained).
Molecular consequence: synonymous variant. On other transcripts: non-coding transcript variant (1).
Genome position (GRCh38, 1-based): chr19:1,220,373, G>A. VCF-style: chr19-1220373-G-A. GRCh37 (hg19) VCF-style: chr19-1220372-G-A.
Other names: c.465G>A, p.Gly155= (NM_001407255.1).
Identifiers: ClinVar variation 1742243 (VCV001742243.5), dbSNP rs2145424105, ClinGen allele CA504706628.